The following is an entry in ClinVar:

ClinVar aggregate classification (germline): Conflicting classifications of pathogenicity. Review status: criteria provided, conflicting classifications (1 of 4 stars). 2 submissions from 2 submitters: Uncertain significance (1); Likely benign (1). Last evaluated 2025-09-05.

gnomAD v4.1: 8 of 1,576,560 alleles (0.00051%); highest among the groups gnomAD compares: African/African-American, 0.0028%; no homozygotes.

Submissions (2):

Ambry Genetics
Classification: Uncertain significance. Last evaluated: 2025-09-05. Review status: criteria provided, single submitter. Criteria: Ambry Variant Classification Scheme 2023. Collection method: clinical testing. Allele origin: germline.

CeGaT Center for Human Genetics Tuebingen
Classification: Likely benign. Last evaluated: 2025-05-01. Review status: criteria provided, single submitter. Criteria: CeGaT Center For Human Genetics Tuebingen Variant Classification Criteria Version 2. Collection method: clinical testing. Allele origin: germline. Affected: yes. Observed: 1 variant allele.
Comment: SLC26A8: BP4

NM_052961.4(SLC26A8):c.194C>T (p.Ser65Leu)

Gene: SLC26A8 (solute carrier family 26 member 8; minus strand). Cytogenetic location: 6p21.31.
Variant type: single nucleotide variant.
Coding change: c.194C>T on transcript NM_052961.4 (MANE Select); coding-DNA position 194, C replaced by T.
Protein change: p.Ser65Leu; replaces serine 65 with leucine.
Molecular consequence: missense variant.
Genome position (GRCh38, 1-based): chr6:36,012,367, G>A on the plus strand (C>T on the coding strand, the complement: SLC26A8 is on the minus strand). VCF-style: chr6-36012367-G-A. GRCh37 (hg19) VCF-style: chr6-35980144-G-A.
Other names: c.194C>T, p.Ser65Leu (NM_001193476.2, NM_138718.3); c.194C>T (NM_052961.3); short protein forms S65L.
Identifiers: ClinVar variation 3905145 (VCV003905145.11).
Genomic context (GRCh38, chr6:36,012,367, plus strand): 5'-ATACACATCCATTCTAGGAAGGGAAAGATTGTAAGCACGCATCGTAGGAACCTGTGCCAT[G>A]AGCAGCTGTGAGAGAGAGGAGCAGAGACTTGGTTAGTTTCTCCAAAGAAAATGCCCGCAT-3'
Protein context (NP_443193.1, residues 55-75): TFRHHVQCRC[Ser65Leu]WHRFLRCVLT